The following is an entry in ClinVar:

ClinVar aggregate classification (germline): Conflicting classifications of pathogenicity. Review status: criteria provided, conflicting classifications (1 of 4 stars). 6 submissions from 6 submitters: Uncertain significance (5); Benign (1). Last evaluated 2026-04-09.

Conditions:
Polyps, multiple and recurrent inflammatory fibroid, gastrointestinal. Identifiers: MedGen C5193005, MONDO:0008285, OMIM 175510.
PDGFRA-related disorder. Also called: PDGFRA-related condition.
Hereditary cancer-predisposing syndrome. Also called: Neoplastic Syndromes, Hereditary; Tumor predisposition; Hereditary Cancer Syndrome; Hereditary neoplastic syndrome. Identifiers: Orphanet 140162, MedGen C0027672, MeSH D009386, MONDO:0015356.
Gastrointestinal stromal tumor. Also called: Gastrointestinal stroma tumor; Gastrointestinal stromal tumor, somatic. Identifiers: Orphanet 44890, MedGen C0238198, MeSH D046152, MONDO:0011719, OMIM 606764, HP:0100723.

Allele frequency attached by ClinVar (database versions not stated): TOPMed 0.00001; ExAC 0.00002; gnomAD 0.00002 and 0.00003; gnomAD exomes 0.00003; 1000 Genomes Project 0.00020; 1000 Genomes Project 30x 0.00031.
gnomAD v4.1: 17 of 1,614,086 alleles (0.0011%); highest among the groups gnomAD compares: African/African-American, 0.011%; no homozygotes.

Submissions (6):

PreventionGenetics, part of Exact Sciences
Classification: Uncertain significance for PDGFRA-related condition. Last evaluated: 2026-04-09. Review status: criteria provided, single submitter. Criteria: ACMG Guidelines, 2015. Collection method: clinical testing. Allele origin: germline.
Comment: The PDGFRA c.2998C>G variant is predicted to result in the amino acid substitution p.Leu1000Val. To our knowledge, this variant has not been reported in the literature. This variant is reported in 0.014% of alleles in individuals of Latino descent in gnomAD and has conflicting interpretations of pathogenicity in ClinVar ranging from benign to uncertain (Variation ID: 568217). At this time, the clinical significance of this variant is uncertain due to the absence of conclusive functional and genetic evidence.

Labcorp Genetics (formerly Invitae), Labcorp
Classification: Uncertain significance for Gastrointestinal stromal tumor. Last evaluated: 2026-01-19. Review status: criteria provided, single submitter. Criteria: Invitae Variant Classification Sherloc (09022015). Collection method: clinical testing. Allele origin: germline.
Comment: This sequence change replaces leucine, which is neutral and non-polar, with valine, which is neutral and non-polar, at codon 1000 of the PDGFRA protein (p.Leu1000Val). This variant is present in population databases (rs568721384, gnomAD 0.01%). This variant has not been reported in the literature in individuals affected with PDGFRA-related conditions. ClinVar contains an entry for this variant (Variation ID: 568217). An algorithm developed to predict the effect of missense changes on protein structure and function (PolyPhen-2) suggests that this variant is likely to be tolerated. Algorithms developed to predict the effect of sequence changes on RNA splicing suggest that this variant may create or strengthen a splice site. In summary, the available evidence is currently insufficient to determine the role of this variant in disease. Therefore, it has been classified as a Variant of Uncertain Significance.

Ambry Genetics
Classification: Benign for Hereditary cancer-predisposing syndrome. Last evaluated: 2024-10-28. Review status: criteria provided, single submitter. Criteria: Ambry Variant Classification Scheme 2023. Collection method: clinical testing. Allele origin: germline.

Baylor Genetics
Classification: Uncertain significance for Polyps, multiple and recurrent inflammatory fibroid, gastrointestinal. Last evaluated: 2024-01-05. Review status: criteria provided, single submitter. Criteria: ACMG Guidelines, 2015. Collection method: clinical testing. Allele origin: unknown.

Mayo Clinic Laboratories, Mayo Clinic
Classification: Uncertain significance. Last evaluated: 2023-12-12. Review status: criteria provided, single submitter. Criteria: ACMG Guidelines, 2015. Collection method: clinical testing. Allele origin: germline. Observed: 2 variant alleles.
Comment: BP4

GeneDx
Classification: Uncertain significance. Last evaluated: 2023-11-07. Review status: criteria provided, single submitter. Criteria: GeneDx Variant Classification Process June 2021. Collection method: clinical testing. Allele origin: germline. Affected: yes.
Comment: In silico analysis supports that this missense variant does not alter protein structure/function; In silico analysis suggests this variant may impact gene splicing. In the absence of RNA/functional studies, the actual effect of this sequence change is unknown.; Has not been previously published as pathogenic or benign to our knowledge; This variant is associated with the following publications: (PMID: Dillon2016[article])

NM_006206.6(PDGFRA):c.2998C>G (p.Leu1000Val)

Gene: PDGFRA (platelet derived growth factor receptor alpha; plus strand). Cytogenetic location: 4q12.
Variant type: single nucleotide variant.
Coding change: c.2998C>G on transcript NM_006206.6 (MANE Select); coding-DNA position 2998, C replaced by G.
Protein change: p.Leu1000Val; replaces leucine 1000 with valine.
Molecular consequence: missense variant.
Genome position (GRCh38, 1-based): chr4:54,290,430, C>G. VCF-style: chr4-54290430-C-G. GRCh37 (hg19) VCF-style: chr4-55156597-C-G.
Other names: p.Leu1000Val; c.3073C>G, p.Leu1025Val (NM_001347828.2); c.2998C>G, p.Leu1000Val (NM_001347829.2); c.3037C>G, p.Leu1013Val (NM_001347830.2); c.2998C>G (NM_006206.5); short protein forms L1000V, L1013V, L1025V.
Identifiers: ClinVar variation 568217 (VCV000568217.27), dbSNP rs568721384, ClinGen allele CA2923012.